The following is an entry in ClinVar:

NM_001242896.3(DEPDC5):c.18C>T (p.Val6=)

Gene: DEPDC5 (DEP domain containing 5, GATOR1 subcomplex subunit; plus strand). Cytogenetic location: 22q12.2.
Variant type: single nucleotide variant.
Coding change: c.18C>T on transcript NM_001242896.3 (MANE Select); coding-DNA position 18, C replaced by T.
Protein change: p.Val6=; no amino-acid change (valine 6 retained).
Molecular consequence: synonymous variant. On other transcripts: non-coding transcript variant (5).
Genome position (GRCh38, 1-based): chr22:31,754,939, C>T. VCF-style: chr22-31754939-C-T. GRCh37 (hg19) VCF-style: chr22-32150925-C-T.
Other names: c.18C>T, p.Val6= (NM_001007188.4, NM_001136029.4, NM_001242897.2 and 9 more transcripts).
Identifiers: ClinVar variation 2911885 (VCV002911885.1), dbSNP rs2075191447, ClinGen allele CA514259663.

ClinVar aggregate classification (germline): Uncertain significance (1 of 4 stars; one submission).

Conditions:
Familial focal epilepsy with variable foci (FPEVF). Identifiers: Orphanet 98820, MedGen C1858477, MONDO:0020310.

Submission:

Labcorp Genetics (formerly Invitae), Labcorp
Classification: Uncertain significance for Familial focal epilepsy with variable foci. Last evaluated: 2023-10-07. Review status: criteria provided, single submitter. Criteria: Invitae Variant Classification Sherloc (09022015). Collection method: clinical testing. Allele origin: germline.
Comment: This sequence change affects codon 6 of the DEPDC5 mRNA. It is a 'silent' change, meaning that it does not change the encoded amino acid sequence of the DEPDC5 protein. This variant is not present in population databases (gnomAD no frequency). This variant has not been reported in the literature in individuals affected with DEPDC5-related conditions. Algorithms developed to predict the effect of sequence changes on RNA splicing suggest that this variant may disrupt the consensus splice site. In summary, the available evidence is currently insufficient to determine the role of this variant in disease. Therefore, it has been classified as a Variant of Uncertain Significance.